The following is an entry in ClinVar:

ClinVar aggregate classification (germline): Likely benign. Review status: criteria provided, single submitter (1 of 4 stars). 2 submissions from 2 submitters: Likely benign (1). 1 of the submissions does not count toward it. Last evaluated 2023-11-27.

Conditions:
TAOK2-related disorder. Also called: TAOK2-related condition.

Allele frequency attached by ClinVar (database versions not stated): gnomAD 0.00007.
gnomAD v4.1: 66 of 1,605,872 alleles (0.0041%); highest among the groups gnomAD compares: African/African-American, 0.017%; no homozygotes.

Submissions (2):

Labcorp Genetics (formerly Invitae), Labcorp
Classification: Likely benign. Last evaluated: 2023-11-27. Review status: criteria provided, single submitter. Criteria: Invitae Variant Classification Sherloc (09022015). Collection method: clinical testing. Allele origin: germline.

PreventionGenetics, part of Exact Sciences
Classification: Likely benign for TAOK2-related condition. Last evaluated: 2020-01-17. Review status: no assertion criteria provided. Collection method: clinical testing. Allele origin: germline. Not counted in ClinVar's aggregate classification.
Comment: This variant is classified as likely benign based on ACMG/AMP sequence variant interpretation guidelines (Richards et al. 2015 PMID: 25741868, with internal and published modifications).

NM_016151.4(TAOK2):c.1261-6C>T

Gene: TAOK2 (TAO kinase 2; plus strand). Cytogenetic location: 16p11.2.
Variant type: single nucleotide variant.
Coding change: c.1261-6C>T on transcript NM_016151.4 (MANE Select); 6 bases into the intron before coding-DNA position 1261, C replaced by T.
Molecular consequence: intron variant.
Genome position (GRCh38, 1-based): chr16:29,983,497, C>T. VCF-style: chr16-29983497-C-T. GRCh37 (hg19) VCF-style: chr16-29994818-C-T.
Other names: c.1261-6C>T (NM_004783.4, NM_001252043.2, NM_016151.3).
Identifiers: ClinVar variation 1614519 (VCV001614519.10), dbSNP rs200146768, ClinGen allele CA280395217.